The following is an entry in ClinVar:

NM_004517.4(ILK):c.1355A>C (p.Lys452Thr)

Genes: ILK (integrin linked kinase; plus strand), TAF10 (TATA-box binding protein associated factor 10; minus strand). Cytogenetic location: 11p15.4.
Variant type: single nucleotide variant.
Coding change: c.1355A>C on transcript NM_004517.4 (MANE Select); coding-DNA position 1355, A replaced by C.
Protein change: p.Lys452Thr; replaces lysine 452 with threonine.
Molecular consequence: missense variant. On other transcripts: 3 prime UTR variant (1).
Genome position (GRCh38, 1-based): chr11:6,610,607, A>C. VCF-style: chr11-6610607-A-C. GRCh37 (hg19) VCF-style: chr11-6631838-A-C.
Other names: c.1355A>C, p.Lys452Thr (NM_001014794.3, NM_001014795.3); c.1172A>C, p.Lys391Thr (NM_001278441.2); c.953A>C, p.Lys318Thr (NM_001278442.2); c.*315T>G (NM_006284.4); short protein forms K318T, K391T, K452T.
Identifiers: ClinVar variation 2037064 (VCV002037064.5), dbSNP rs1855409530, ClinGen allele CA379468538.
Genomic context (GRCh38, chr11:6,610,607, plus strand): 5'-ACCCTGCAAAGCGACCCAAATTTGACATGATTGTGCCTATCCTTGAGAAGATGCAGGACA[A>C]GTAGGACTGGAAGGTCCTTGCCTGAACTCCAGAGGTGTCGGGACATGGTTGGGGGAATGC-3'
Protein context (NP_004508.1, residues 442-452): IVPILEKMQD[Lys452Thr]

ClinVar aggregate classification (germline): Uncertain significance. Review status: criteria provided, multiple submitters, no conflicts (2 of 4 stars). 2 submissions from 2 submitters: Uncertain significance (2). Last evaluated 2025-06-29.

Conditions:
Primary familial hypertrophic cardiomyopathy (HCM). Identifiers: Orphanet 99739, MedGen C0949658, MeSH D024741, MONDO:0024573. Inheritance: Various modes of inheritance.

Allele frequency attached by ClinVar (database versions not stated): gnomAD exomes below 0.00001; TOPMed 0.00001.
gnomAD v4.1: 2 of 1,614,252 alleles (0.00012%); highest among the groups gnomAD compares: Admixed American, 0.0017%; no homozygotes.

Submissions (2):

Ambry Genetics
Classification: Uncertain significance. Last evaluated: 2025-06-29. Review status: criteria provided, single submitter. Criteria: Ambry Variant Classification Scheme 2023. Collection method: clinical testing. Allele origin: germline.

Labcorp Genetics (formerly Invitae), Labcorp
Classification: Uncertain significance for Primary familial hypertrophic cardiomyopathy. Last evaluated: 2023-10-29. Review status: criteria provided, single submitter. Criteria: Invitae Variant Classification Sherloc (09022015). Collection method: clinical testing. Allele origin: germline.
Comment: This sequence change replaces lysine, which is basic and polar, with threonine, which is neutral and polar, at codon 452 of the ILK protein (p.Lys452Thr). This variant is not present in population databases (gnomAD no frequency). This variant has not been reported in the literature in individuals affected with ILK-related conditions. ClinVar contains an entry for this variant (Variation ID: 2037064). An algorithm developed to predict the effect of missense changes on protein structure and function (PolyPhen-2) suggests that this variant is likely to be disruptive. In summary, the available evidence is currently insufficient to determine the role of this variant in disease. Therefore, it has been classified as a Variant of Uncertain Significance.